The following is an entry in ClinVar:

NM_017755.6(NSUN2):c.113A>G (p.Tyr38Cys)

Gene: NSUN2 (NOP2/Sun RNA methyltransferase 2; minus strand). Cytogenetic location: 5p15.31.
Variant type: single nucleotide variant.
Coding change: c.113A>G on transcript NM_017755.6 (MANE Select); coding-DNA position 113, A replaced by G.
Protein change: p.Tyr38Cys; replaces tyrosine 38 with cysteine.
Molecular consequence: missense variant. On other transcripts: non-coding transcript variant (1).
Genome position (GRCh38, 1-based): chr5:6,632,740, T>C on the plus strand (A>G on the coding strand, the complement: NSUN2 is on the minus strand). VCF-style: chr5-6632740-T-C. GRCh37 (hg19) VCF-style: chr5-6632853-T-C.
Other names: c.113A>G, p.Tyr38Cys (NM_001193455.2); short protein forms Y38C.
Identifiers: ClinVar variation 2104256 (VCV002104256.4), dbSNP rs938317873, ClinGen allele CA113753680.

ClinVar aggregate classification (germline): Uncertain significance (1 of 4 stars; one submission).

Allele frequency attached by ClinVar (database versions not stated): gnomAD exomes below 0.00001; TOPMed 0.00001; gnomAD 0.00003.
gnomAD v4.1: 5 of 1,613,420 alleles (0.00031%); highest among the groups gnomAD compares: African/African-American, 0.0067%; no homozygotes.

Submission:

Labcorp Genetics (formerly Invitae), Labcorp
Classification: Uncertain significance. Last evaluated: 2022-02-28. Review status: criteria provided, single submitter. Criteria: Invitae Variant Classification Sherloc (09022015). Collection method: clinical testing. Allele origin: germline.
Comment: This variant has not been reported in the literature in individuals affected with NSUN2-related conditions. In summary, the available evidence is currently insufficient to determine the role of this variant in disease. Therefore, it has been classified as a Variant of Uncertain Significance. Algorithms developed to predict the effect of missense changes on protein structure and function (SIFT, PolyPhen-2, Align-GVGD) all suggest that this variant is likely to be disruptive. This variant is present in population databases (no rsID available, gnomAD 0.02%). This sequence change replaces tyrosine, which is neutral and polar, with cysteine, which is neutral and slightly polar, at codon 38 of the NSUN2 protein (p.Tyr38Cys).